The following is an entry in ClinVar:

NM_001042492.3(NF1):c.3251del (p.Pro1084fs)

Gene: NF1 (neurofibromin 1; plus strand). Cytogenetic location: 17q11.2.
Variant type: Deletion.
Coding change: c.3251del on transcript NM_001042492.3 (MANE Select); coding-DNA position 3251, one base deleted (C; older notation c.3251delC).
Protein change: p.Pro1084fs; shifts the reading frame from proline 1084.
Molecular consequence: frameshift variant.
Genome position (GRCh38, 1-based): chr17:31,232,126, C deleted; the last of 3 consecutive C bases (chr17:31,232,124-31,232,126); deleting any one gives the same sequence. VCF-style (leftmost placement, unchanged base first): chr17-31232123-TC-T. GRCh37 (hg19) VCF-style: chr17-29559141-TC-T.
Other names: c.3251delC (NM_000267.3); c.3251delC, p.Pro1084Leufs (NM_000267.4); short protein forms P1084fs.
Identifiers: ClinVar variation 1729425 (VCV001729425.2), dbSNP rs1555614845, ClinGen allele CA2580092959.

ClinVar aggregate classification (germline): Pathogenic (1 of 4 stars; one submission).

Conditions:
Hereditary cancer-predisposing syndrome. Also called: Neoplastic Syndromes, Hereditary; Tumor predisposition; Hereditary Cancer Syndrome; Hereditary neoplastic syndrome. Identifiers: Orphanet 140162, MedGen C0027672, MeSH D009386, MONDO:0015356.
Cardiovascular phenotype. Identifiers: MedGen CN230736.

Submission:

Ambry Genetics
Classification: Pathogenic for Cardiovascular phenotype; Hereditary cancer-predisposing syndrome. Last evaluated: 2017-11-01. Review status: criteria provided, single submitter. Criteria: Ambry Variant Classification Scheme 2023. Collection method: clinical testing. Allele origin: germline.
Comment: The c.3251delC pathogenic mutation, located in coding exon 25 of the NF1 gene, results from a deletion of one nucleotide at nucleotide position 3251, causing a translational frameshift with a predicted alternate stop codon (p.P1084Lfs*12). This mutation has been reported in an individual meeting NIH criteria for NF1 (Duat Rodr&iacute;guez A et al. An Pediatr (Barc), 2015 Sep;83:173-82). This alteration is expected to result in loss of function by premature protein truncation or nonsense-mediated mRNA decay. As such, this alteration is interpreted as a disease-causing mutation.